The following is an entry in ClinVar:

NM_015404.4(WHRN):c.1193G>A (p.Gly398Glu)

Gene: WHRN (whirlin; minus strand). Cytogenetic location: 9q32.
Variant type: single nucleotide variant.
Coding change: c.1193G>A on transcript NM_015404.4 (MANE Select); coding-DNA position 1193, G replaced by A.
Protein change: p.Gly398Glu; replaces glycine 398 with glutamic acid.
Molecular consequence: missense variant.
Genome position (GRCh38, 1-based): chr9:114,424,998, C>T on the plus strand (G>A on the coding strand, the complement: WHRN is on the minus strand). VCF-style: chr9-114424998-C-T. GRCh37 (hg19) VCF-style: chr9-117187278-C-T.
Other names: c.44G>A, p.Gly15Glu (NM_001083885.3); c.1193G>A, p.Gly398Glu (NM_001173425.2); c.140G>A, p.Gly47Glu (NM_001346890.1); short protein forms G15E, G398E, G47E.
Identifiers: ClinVar variation 1016880 (VCV001016880.5), dbSNP rs201612708, ClinGen allele CA5206023.

ClinVar aggregate classification (germline): Uncertain significance (1 of 4 stars; one submission).

Allele frequency attached by ClinVar (database versions not stated): ExAC 0.00002; gnomAD exomes 0.00002; gnomAD 0.00004 and 0.00005; TOPMed 0.00005.
gnomAD v4.1: 40 of 1,614,180 alleles (0.0025%); highest among the groups gnomAD compares: African/African-American, 0.033%; no homozygotes.

Submission:

Labcorp Genetics (formerly Invitae), Labcorp
Classification: Uncertain significance. Last evaluated: 2024-10-26. Review status: criteria provided, single submitter. Criteria: Invitae Variant Classification Sherloc (09022015). Collection method: clinical testing. Allele origin: germline.
Comment: This sequence change replaces glycine, which is neutral and non-polar, with glutamic acid, which is acidic and polar, at codon 398 of the WHRN protein (p.Gly398Glu). This variant is present in population databases (rs201612708, gnomAD 0.02%). This variant has not been reported in the literature in individuals affected with WHRN-related conditions. ClinVar contains an entry for this variant (Variation ID: 1016880). An algorithm developed to predict the effect of missense changes on protein structure and function (PolyPhen-2) suggests that this variant¬†is likely to be tolerated. In summary, the available evidence is currently insufficient to determine the role of this variant in disease. Therefore, it has been classified as a Variant of Uncertain Significance.